The following continues an entry in ClinVar:

NM_206933.4(USH2A):c.11713C>T (p.Arg3905Cys)

Gene: USH2A. ClinVar aggregate classification (germline): Pathogenic. Pathogenic (1).

Submissions 14 to 17 of 17:

Women's Health and Genetics/Laboratory Corporation of America, LabCorp
Classification: Pathogenic for Usher syndrome. Last evaluated: 2021-12-18. Review status: criteria provided, single submitter. Criteria: LabCorp Variant Classification Summary - May 2015. Collection method: clinical testing. Allele origin: germline. Not counted in ClinVar's aggregate classification.
Comment: Variant summary: USH2A c.11713C>T (p.Arg3905Cys) results in a non-conservative amino acid change located in the Fibronectin type III domain (IPR003961) of the encoded protein sequence. Four of five in-silico tools predict a damaging effect of the variant on protein function. 4/4 computational tools predict no significant impact on normal splicing. However, these predictions have yet to be confirmed by functional studies. The variant allele was found at a frequency of 2.4e-05 in 247752 control chromosomes. c.11713C>T has been reported in the literature as a compound heterozygous genotype in multiple comprehensively genotyped individuals affected with Usher Syndrome (example, Ellingford_2016, Stone_2017, Weisschuh_2020). These data indicate that the variant is very likely to be associated with disease. To our knowledge, no experimental evidence demonstrating an impact on protein function has been reported. Five clinical diagnostic laboratories have submitted clinical-significance assessments for this variant to ClinVar after 2014 without evidence for independent evaluation. Multiple laboratories reported the variant with conflicting assessments (P/LP, n=3; VUS, n=2). Based on the evidence outlined above, the variant was classified as pathogenic.

Kariminejad - Najmabadi Pathology & Genetics Center
Classification: Likely pathogenic for Usher syndrome type 2A. Review status: criteria provided, single submitter. Criteria: ACMG Guidelines, 2015. Collection method: clinical testing. Allele origin: germline. Affected: no. Not counted in ClinVar's aggregate classification.

Counsyl
Classification: Uncertain significance for Usher syndrome type 2A; Retinitis pigmentosa 39. Last evaluated: 2018-03-23. Review status: no assertion criteria provided. Collection method: clinical testing. Allele origin: unknown. Not counted in ClinVar's aggregate classification.

Centre for Genomic Medicine, Manchester, Central Manchester University Hospitals
Classification: Uncertain significance for Retinal dystrophy. Review status: no assertion criteria provided. Collection method: clinical testing. Allele origin: germline. Affected: yes. Not counted in ClinVar's aggregate classification.

Literature cited by the submitters: PubMed 28559085 (cited by 4 submitters); PubMed 24944099 (cited by 3 submitters); PubMed 25333064 (cited by 3 submitters); PubMed 27208204 (cited by 3 submitters); PubMed 36909829 (cited by Ophthalmic Genetics Group, Institute of Molecular and Clinical Ophthalmology Basel); PubMed 31877679 (cited by Institute of Human Genetics, Univ. Regensburg, Univ. Regensburg); PubMed 31964843 (cited by Institute of Human Genetics, Univ. Regensburg, Univ. Regensburg); PubMed 32531858 (cited by Institute of Human Genetics, Univ. Regensburg, Univ. Regensburg and Women's Health and Genetics/Laboratory Corporation of America, LabCorp); PubMed 33576794 (cited by Institute of Human Genetics, Univ. Regensburg, Univ. Regensburg); PubMed 34781295 (cited by Institute of Human Genetics, Univ. Regensburg, Univ. Regensburg); PubMed 36460718 (cited by Institute of Human Genetics, Univ. Regensburg, Univ. Regensburg).